The following is an entry in ClinVar:

ClinVar aggregate classification (germline): Uncertain significance. Review status: criteria provided, multiple submitters, no conflicts (2 of 4 stars). 2 submissions from 2 submitters: Uncertain significance (2). Last evaluated 2026-07-07.

Conditions:
Gorlin syndrome. Also called: Basal cell nevus syndrome; Nevoid Basal Cell Carcinoma Syndrome. Identifiers: Orphanet 377, MedGen C0004779, MONDO:0007187.
Hereditary cancer-predisposing syndrome. Also called: Tumor predisposition; Hereditary neoplastic syndrome; Hereditary Cancer Syndrome; Neoplastic Syndromes, Hereditary. Identifiers: Orphanet 140162, MedGen C0027672, MeSH D009386, MONDO:0015356.

gnomAD v4.1: 1 of 1,613,962 alleles (0.000062%); highest among the groups gnomAD compares: Middle Eastern, 0.016%; no homozygotes.

Submissions (2):

Ambry Genetics
Classification: Uncertain significance for Hereditary cancer-predisposing syndrome. Last evaluated: 2026-07-07. Review status: criteria provided, single submitter. Criteria: Ambry Variant Classification Scheme 2023. Collection method: clinical testing. Allele origin: germline.
Comment: The p.H262P variant (also known as c.785A>C), located in coding exon 7 of the PTCH1 gene, results from an A to C substitution at nucleotide position 785. The histidine at codon 262 is replaced by proline, an amino acid with similar properties. This amino acid position is conserved. In addition, the in silico prediction for this alteration is inconclusive. Based on the available evidence, the clinical significance of this variant remains unclear.

Labcorp Genetics (formerly Invitae), Labcorp
Classification: Uncertain significance for Gorlin syndrome. Last evaluated: 2025-10-08. Review status: criteria provided, single submitter. Criteria: Invitae Variant Classification Sherloc (09022015). Collection method: clinical testing. Allele origin: germline.
Comment: This sequence change replaces histidine, which is basic and polar, with proline, which is neutral and non-polar, at codon 328 of the PTCH1 protein (p.His328Pro). This variant is not present in population databases (gnomAD no frequency). This variant has not been reported in the literature in individuals affected with PTCH1-related conditions. ClinVar contains an entry for this variant (Variation ID: 3651641). Invitae Evidence Modeling of protein sequence and biophysical properties (such as structural, functional, and spatial information, amino acid conservation, physicochemical variation, residue mobility, and thermodynamic stability) has been performed for this missense variant. However, the output from this modeling did not meet the statistical confidence thresholds required to predict the impact of this variant on PTCH1 protein function. In summary, the available evidence is currently insufficient to determine the role of this variant in disease. Therefore, it has been classified as a Variant of Uncertain Significance.

NM_000264.5(PTCH1):c.983A>C (p.His328Pro)

Gene: PTCH1 (patched 1; minus strand). Cytogenetic location: 9q22.32.
Variant type: single nucleotide variant.
Coding change: c.983A>C on transcript NM_000264.5 (MANE Select); coding-DNA position 983, A replaced by C.
Protein change: p.His328Pro; replaces histidine 328 with proline.
Molecular consequence: missense variant. On other transcripts: non-coding transcript variant (1).
Genome position (GRCh38, 1-based): chr9:95,480,053, T>G on the plus strand (A>C on the coding strand, the complement: PTCH1 is on the minus strand). VCF-style: chr9-95480053-T-G. GRCh37 (hg19) VCF-style: chr9-98242335-T-G.
Other names: c.785A>C, p.His262Pro (NM_001083602.3); c.980A>C, p.His327Pro (NM_001083603.3); c.530A>C, p.His177Pro (NM_001083604.3, NM_001083605.3, NM_001083606.3 and 1 more transcripts); c.983A>C, p.His328Pro (NM_001354918.2); short protein forms H328P, H177P, H262P, H327P.
Identifiers: ClinVar variation 3651641 (VCV003651641.3).
Genomic context (GRCh38, chr9:95,480,053, plus strand): 5'-TTGACTGTGCCACCCACAATCAACTCCTCCTGCCAGTGCATATACTTTCTGGATAAGCCA[T>G]GACATCCACCATTCAAAACAAGGGCCATATCAAGAGGCTAAAATAAAAAGACAGCCACAT-3'
Protein context (NP_000255.2, residues 318-338): DMALVLNGGC[His328Pro]GLSRKYMHWQ